The following is an entry in ClinVar:

ClinVar aggregate classification (germline): Uncertain significance (1 of 4 stars; one submission).

Allele frequency attached by ClinVar (database versions not stated): gnomAD exomes below 0.00001.
gnomAD v4.1: 2 of 1,614,148 alleles (0.00012%); highest among the groups gnomAD compares: Non-Finnish European, 0.00017%; no homozygotes.

Submission:

Labcorp Genetics (formerly Invitae), Labcorp
Classification: Uncertain significance. Last evaluated: 2024-01-09. Review status: criteria provided, single submitter. Criteria: Invitae Variant Classification Sherloc (09022015). Collection method: clinical testing. Allele origin: germline.
Comment: This sequence change replaces serine, which is neutral and polar, with cysteine, which is neutral and slightly polar, at codon 208 of the POLE protein (p.Ser208Cys). This variant is not present in population databases (gnomAD no frequency). This variant has not been reported in the literature in individuals affected with POLE-related conditions. ClinVar contains an entry for this variant (Variation ID: 1462715). Advanced modeling of protein sequence and biophysical properties (such as structural, functional, and spatial information, amino acid conservation, physicochemical variation, residue mobility, and thermodynamic stability) performed at Invitae indicates that this missense variant is not expected to disrupt POLE protein function with a negative predictive value of 80%. RNA analysis performed to evaluate the impact of this missense change on mRNA splicing indicates it does not significantly alter splicing (Invitae). In summary, the available evidence is currently insufficient to determine the role of this variant in disease. Therefore, it has been classified as a Variant of Uncertain Significance.

NM_006231.4(POLE):c.623C>G (p.Ser208Cys)

Gene: POLE (DNA polymerase epsilon, catalytic subunit; minus strand). Cytogenetic location: 12q24.33.
Variant type: single nucleotide variant.
Coding change: c.623C>G on transcript NM_006231.4 (MANE Select); coding-DNA position 623, C replaced by G.
Protein change: p.Ser208Cys; replaces serine 208 with cysteine.
Molecular consequence: missense variant.
Genome position (GRCh38, 1-based): chr12:132,677,675, G>C on the plus strand (C>G on the coding strand, the complement: POLE is on the minus strand). VCF-style: chr12-132677675-G-C. GRCh37 (hg19) VCF-style: chr12-133254261-G-C.
Other names: short protein forms S208C.
Identifiers: ClinVar variation 1462715 (VCV001462715.6), dbSNP rs2043087234, ClinGen allele CA387365280.